The following is an entry in ClinVar:

NM_004928.3(CFAP410):c.587G>A (p.Arg196Gln)

Gene: CFAP410 (cilia and flagella associated protein 410; minus strand). Cytogenetic location: 21q22.3.
Variant type: single nucleotide variant.
Coding change: c.587G>A on transcript NM_004928.3 (MANE Select); coding-DNA position 587, G replaced by A.
Protein change: p.Arg196Gln; replaces arginine 196 with glutamine.
Molecular consequence: missense variant.
Genome position (GRCh38, 1-based): chr21:44,330,878, C>T on the plus strand (G>A on the coding strand, the complement: CFAP410 is on the minus strand). VCF-style: chr21-44330878-C-T. GRCh37 (hg19) VCF-style: chr21-45750761-C-T.
Other names: c.584G>A, p.Arg195Gln (NM_001271440.2, NM_001271441.2); c.461G>A, p.Arg154Gln (NM_001271442.1); short protein forms R196Q, R195Q, R154Q.
Identifiers: ClinVar variation 965991 (VCV000965991.6), dbSNP rs772426107, ClinGen allele CA10053594.

ClinVar aggregate classification (germline): Uncertain significance. Review status: criteria provided, multiple submitters, no conflicts (2 of 4 stars). 2 submissions from 2 submitters: Uncertain significance (2). Last evaluated 2024-09-09.

Allele frequency attached by ClinVar (database versions not stated): TOPMed 0.00003; gnomAD 0.00004; gnomAD exomes 0.00004; ExAC 0.00006.

Submissions (2):

Blueprint Genetics
Classification: Uncertain significance. Last evaluated: 2024-09-09. Review status: criteria provided, single submitter. Criteria: ACMG Guidelines, 2015. Collection method: clinical testing. Allele origin: germline.

Labcorp Genetics (formerly Invitae), Labcorp
Classification: Uncertain significance. Last evaluated: 2023-08-04. Review status: criteria provided, single submitter. Criteria: Invitae Variant Classification Sherloc (09022015). Collection method: clinical testing. Allele origin: germline.
Comment: This sequence change replaces arginine, which is basic and polar, with glutamine, which is neutral and polar, at codon 196 of the CFAP410 protein (p.Arg196Gln). This variant is present in population databases (rs772426107, gnomAD 0.01%). This variant has not been reported in the literature in individuals affected with CFAP410-related conditions. ClinVar contains an entry for this variant (Variation ID: 965991). Advanced modeling of protein sequence and biophysical properties (such as structural, functional, and spatial information, amino acid conservation, physicochemical variation, residue mobility, and thermodynamic stability) performed at Invitae indicates that this missense variant is not expected to disrupt CFAP410 protein function. In summary, the available evidence is currently insufficient to determine the role of this variant in disease. Therefore, it has been classified as a Variant of Uncertain Significance.